The following is an entry in ClinVar:

ClinVar aggregate classification (germline): Uncertain significance (1 of 4 stars; one submission).

Conditions:
Pyogenic arthritis-pyoderma gangrenosum-acne syndrome (PAPA). Also called: PAPA SYNDROME; FAMILIAL RECURRENT ARTHRITIS. Identifiers: Orphanet 69126, MedGen C1858361, MONDO:0011462, OMIM 604416.

Allele frequency attached by ClinVar (database versions not stated): ExAC 0.00002.
gnomAD v4.1: 4 of 1,603,036 alleles (0.00025%); no homozygotes.

Submission:

Labcorp Genetics (formerly Invitae), Labcorp
Classification: Uncertain significance for Pyogenic arthritis-pyoderma gangrenosum-acne syndrome. Last evaluated: 2022-06-04. Review status: criteria provided, single submitter. Criteria: Invitae Variant Classification Sherloc (09022015). Collection method: clinical testing. Allele origin: germline.
Comment: The frequency data for this variant in the population databases is considered unreliable, as metrics indicate poor data quality at this position in the gnomAD database. In summary, the available evidence is currently insufficient to determine the role of this variant in disease. Therefore, it has been classified as a Variant of Uncertain Significance. Algorithms developed to predict the effect of missense changes on protein structure and function are either unavailable or do not agree on the potential impact of this missense change (SIFT: "Tolerated"; PolyPhen-2: "Probably Damaging"; Align-GVGD: "Class C0"). ClinVar contains an entry for this variant (Variation ID: 1489163). This variant has not been reported in the literature in individuals affected with PSTPIP1-related conditions. This sequence change replaces alanine, which is neutral and non-polar, with serine, which is neutral and polar, at codon 154 of the PSTPIP1 protein (p.Ala154Ser).

NM_003978.5(PSTPIP1):c.460G>T (p.Ala154Ser)

Gene: PSTPIP1 (proline-serine-threonine phosphatase interacting protein 1; plus strand). Cytogenetic location: 15q24.3.
Variant type: single nucleotide variant.
Coding change: c.460G>T on transcript NM_003978.5 (MANE Select); coding-DNA position 460, G replaced by T.
Protein change: p.Ala154Ser; replaces alanine 154 with serine.
Molecular consequence: missense variant. On other transcripts: non-coding transcript variant (1).
Genome position (GRCh38, 1-based): chr15:77,028,596, G>T. VCF-style: chr15-77028596-G-T. GRCh37 (hg19) VCF-style: chr15-77320937-G-T.
Other names: c.460G>T, p.Ala154Ser (NM_001321135.2); c.433G>T, p.Ala145Ser (NM_001321136.2); c.655G>T, p.Ala219Ser (NM_001321137.1); short protein forms A145S, A154S, A219S.
Identifiers: ClinVar variation 1489163 (VCV001489163.6), dbSNP rs781516273, ClinGen allele CA7675831.